The following is an entry in ClinVar:

NM_003227.4(TFR2):c.570C>A (p.His190Gln)

Gene: TFR2 (transferrin receptor 2; minus strand). Cytogenetic location: 7q22.1.
Variant type: single nucleotide variant.
Coding change: c.570C>A on transcript NM_003227.4 (MANE Select); coding-DNA position 570, C replaced by A.
Protein change: p.His190Gln; replaces histidine 190 with glutamine.
Molecular consequence: missense variant.
Genome position (GRCh38, 1-based): chr7:100,633,460, G>T on the plus strand (C>A on the coding strand, the complement: TFR2 is on the minus strand). VCF-style: chr7-100633460-G-T. GRCh37 (hg19) VCF-style: chr7-100231083-G-T.
Other names: c.57C>A, p.His19Gln (NM_001206855.3); short protein forms H190Q, H19Q.
Identifiers: ClinVar variation 2011947 (VCV002011947.4), dbSNP rs1178849216, ClinGen allele CA368534788.

ClinVar aggregate classification (germline): Uncertain significance (1 of 4 stars; one submission).

Conditions:
Hereditary hemochromatosis (HFE). Identifiers: MedGen C0392514, MONDO:0006507. Disease mechanism: loss of function.

Submission:

Labcorp Genetics (formerly Invitae), Labcorp
Classification: Uncertain significance for Hereditary hemochromatosis. Last evaluated: 2022-06-28. Review status: criteria provided, single submitter. Criteria: Invitae Variant Classification Sherloc (09022015). Collection method: clinical testing. Allele origin: germline.
Comment: This sequence change replaces histidine, which is basic and polar, with glutamine, which is neutral and polar, at codon 190 of the TFR2 protein (p.His190Gln). In summary, the available evidence is currently insufficient to determine the role of this variant in disease. Therefore, it has been classified as a Variant of Uncertain Significance. Algorithms developed to predict the effect of missense changes on protein structure and function are either unavailable or do not agree on the potential impact of this missense change (SIFT: "Deleterious"; PolyPhen-2: "Probably Damaging"; Align-GVGD: "Class C0"). This variant has not been reported in the literature in individuals affected with TFR2-related conditions. This variant is not present in population databases (gnomAD no frequency).